The following is an entry in ClinVar:

NM_002025.4(AFF2):c.2568+5_2568+13del

Gene: AFF2 (ALF transcription elongation factor 2; plus strand). Cytogenetic location: Xq28.
Variant type: Deletion.
Coding change: c.2568+5_2568+13del on transcript NM_002025.4 (MANE Select); bases 5 to 13 of the intron after coding-DNA position 2568, 9 bases deleted (GCTGTCTAA; older notation c.2568+5_2568+13delGCTGTCTAA).
Molecular consequence: splice donor variant.
Genome position (GRCh38, 1-based): chrX:148,956,618-148,956,626, GCTGTCTAA deleted; deleting any 9 consecutive bases within chrX:148,956,615-148,956,626 gives the same sequence; the c. name uses the placement nearest the transcript's 3' end. VCF-style (leftmost placement, unchanged base first): chrX-148956614-GTAAGCTGTC-G. GRCh37 (hg19) VCF-style: chrX-148038144-GTAAGCTGTC-G.
Other names: c.2463+5_2463+13del (NM_001169124.2); c.2538+5_2538+13del (NM_001169123.2); c.2469+5_2469+13del (NM_001169122.2); c.2451+5_2451+13del (NM_001169125.2); c.1491+5_1491+13del (NM_001170628.1).
Identifiers: ClinVar variation 1308931 (VCV001308931.2), dbSNP rs781810959, ClinGen allele CA10537156.

ClinVar aggregate classification (germline): Uncertain significance (1 of 4 stars; one submission).

Submission:

GeneDx
Classification: Uncertain significance. Last evaluated: 2019-10-21. Review status: criteria provided, single submitter. Criteria: GeneDx Variant Classification Process June 2021. Collection method: clinical testing. Allele origin: germline. Affected: yes.
Comment: Not observed at a significant frequency in large population cohorts (Lek et al., 2016); Has not been previously published as pathogenic or benign to our knowledge; In-silico analysis, which includes splice predictors and evolutionary conservation, is inconclusive as to whether the variant alters gene splicing. In the absence of RNA/functional studies, the actual effect of this sequence change is unknown.